The following is an entry in ClinVar:

NM_144643.4(SCLT1):c.946C>A (p.Gln316Lys)

Gene: SCLT1 (sodium channel and clathrin linker 1; minus strand). Cytogenetic location: 4q28.2.
Variant type: single nucleotide variant.
Coding change: c.946C>A on transcript NM_144643.4 (MANE Select); coding-DNA position 946, C replaced by A.
Protein change: p.Gln316Lys; replaces glutamine 316 with lysine.
Molecular consequence: missense variant.
Genome position (GRCh38, 1-based): chr4:128,959,701, G>T on the plus strand (C>A on the coding strand, the complement: SCLT1 is on the minus strand). VCF-style: chr4-128959701-G-T. GRCh37 (hg19) VCF-style: chr4-129880856-G-T.
Other names: c.946C>A, p.Gln316Lys (NM_001410807.1); short protein forms Q316K.
Identifiers: ClinVar variation 4992880 (VCV004992880.1).

ClinVar aggregate classification (germline): Uncertain significance (1 of 4 stars; one submission).

Conditions:
SCLT1-related disorder. Also called: SCLT1-related condition.

Submission:

PreventionGenetics, part of Exact Sciences
Classification: Uncertain significance for SCLT1-related condition. Last evaluated: 2025-12-26. Review status: criteria provided, single submitter. Criteria: ACMG Guidelines, 2015. Collection method: clinical testing. Allele origin: germline.
Comment: The SCLT1 c.946C>A variant is predicted to result in the amino acid substitution p.Gln316Lys. To our knowledge, this variant has not been reported in the literature or in a large population database (gnomAD), indicating this variant is rare. At this time, the clinical significance of this variant is uncertain due to the absence of conclusive functional and genetic evidence.